The following is an entry in ClinVar:

ClinVar aggregate classification (germline): Uncertain significance (1 of 4 stars; one submission).

gnomAD v4.1: 3 of 1,609,980 alleles (0.00019%); highest among the groups gnomAD compares: East Asian, 0.0022%; no homozygotes.

Submission:

Labcorp Genetics (formerly Invitae), Labcorp
Classification: Uncertain significance. Last evaluated: 2024-05-12. Review status: criteria provided, single submitter. Criteria: Invitae Variant Classification Sherloc (09022015). Collection method: clinical testing. Allele origin: germline.
Comment: This sequence change replaces proline, which is neutral and non-polar, with glutamine, which is neutral and polar, at codon 264 of the ILDR1 protein (p.Pro264Gln). This variant is not present in population databases (gnomAD no frequency). This variant has not been reported in the literature in individuals affected with ILDR1-related conditions. Algorithms developed to predict the effect of missense changes on protein structure and function output the following: SIFT: "Not Available"; PolyPhen-2: "Benign"; Align-GVGD: "Not Available". The glutamine amino acid residue is found in multiple mammalian species, which suggests that this missense change does not adversely affect protein function. In summary, the available evidence is currently insufficient to determine the role of this variant in disease. Therefore, it has been classified as a Variant of Uncertain Significance.

NM_001199799.2(ILDR1):c.791C>A (p.Pro264Gln)

Gene: ILDR1 (immunoglobulin like domain containing receptor 1; minus strand). Cytogenetic location: 3q13.33.
Variant type: single nucleotide variant.
Coding change: c.791C>A on transcript NM_001199799.2 (MANE Select); coding-DNA position 791, C replaced by A.
Protein change: p.Pro264Gln; replaces proline 264 with glutamine.
Molecular consequence: missense variant.
Genome position (GRCh38, 1-based): chr3:121,993,958, G>T on the plus strand (C>A on the coding strand, the complement: ILDR1 is on the minus strand). VCF-style: chr3-121993958-G-T. GRCh37 (hg19) VCF-style: chr3-121712805-G-T.
Other names: c.524C>A, p.Pro175Gln (NM_001199800.2); c.659C>A, p.Pro220Gln (NM_175924.4); short protein forms P175Q, P220Q, P264Q.
Identifiers: ClinVar variation 3622087 (VCV003622087.2).